The following is an entry in ClinVar:

NM_001943.5(DSG2):c.983A>G (p.Gln328Arg)

Gene: DSG2 (desmoglein 2; plus strand). Cytogenetic location: 18q12.1.
Variant type: single nucleotide variant.
Coding change: c.983A>G on transcript NM_001943.5 (MANE Select); coding-DNA position 983, A replaced by G.
Protein change: p.Gln328Arg; replaces glutamine 328 with arginine.
Molecular consequence: missense variant.
Genome position (GRCh38, 1-based): chr18:31,524,857, A>G. VCF-style: chr18-31524857-A-G. GRCh37 (hg19) VCF-style: chr18-29104820-A-G.
Other names: short protein forms Q328R.
Identifiers: ClinVar variation 1708804 (VCV001708804.7), dbSNP rs374980753, ClinGen allele CA050592.

ClinVar aggregate classification (germline): Uncertain significance. Review status: criteria provided, multiple submitters, no conflicts (2 of 4 stars). 4 submissions from 4 submitters: Uncertain significance (4). Last evaluated 2025-12-16.

Conditions:
Cardiovascular phenotype. Identifiers: MedGen CN230736.
Arrhythmogenic right ventricular dysplasia 10. Also called: Arrhythmogenic right ventricular dysplasia/cardiomyopathy, type 10; ARRHYTHMOGENIC RIGHT VENTRICULAR DYSPLASIA, FAMILIAL, 10; Arrhythmogenic Right Ventricular Dysplasia/Cardiomyopathy10. Identifiers: MedGen C1857777, MONDO:0012434, OMIM 610193.

Allele frequency attached by ClinVar (database versions not stated): ESP Exome Variant Server 0.00008; ExAC 0.00001.
gnomAD v4.1: 7 of 1,614,122 alleles (0.00043%); highest among the groups gnomAD compares: African/African-American, 0.0093%; no homozygotes.

Submissions (4):

Labcorp Genetics (formerly Invitae), Labcorp
Classification: Uncertain significance for Arrhythmogenic right ventricular dysplasia 10. Last evaluated: 2025-12-16. Review status: criteria provided, single submitter. Criteria: Invitae Variant Classification Sherloc (09022015). Collection method: clinical testing. Allele origin: germline.
Comment: This sequence change replaces glutamine, which is neutral and polar, with arginine, which is basic and polar, at codon 328 of the DSG2 protein (p.Gln328Arg). This variant is present in population databases (rs374980753, gnomAD 0.008%). This variant has not been reported in the literature in individuals affected with DSG2-related conditions. ClinVar contains an entry for this variant (Variation ID: 1708804). Invitae Evidence Modeling of protein sequence and biophysical properties (such as structural, functional, and spatial information, amino acid conservation, physicochemical variation, residue mobility, and thermodynamic stability) indicates that this missense variant is not expected to disrupt DSG2 protein function with a negative predictive value of 95%. In summary, the available evidence is currently insufficient to determine the role of this variant in disease. Therefore, it has been classified as a Variant of Uncertain Significance.

Ambry Genetics
Classification: Uncertain significance for Cardiovascular phenotype. Last evaluated: 2023-12-29. Review status: criteria provided, single submitter. Criteria: Ambry Variant Classification Scheme 2023. Collection method: clinical testing. Allele origin: germline.
Comment: The p.Q328R variant (also known as c.983A>G), located in coding exon 8 of the DSG2 gene, results from an A to G substitution at nucleotide position 983. The glutamine at codon 328 is replaced by arginine, an amino acid with highly similar properties. This amino acid position is conserved. In addition, this alteration is predicted to be tolerated by in silico analysis. Since supporting evidence is limited at this time, the clinical significance of this alteration remains unclear.

Laboratorio de Genetica e Diagnostico Molecular, Hospital Israelita Albert Einstein
Classification: Uncertain significance for Arrhythmogenic right ventricular dysplasia 10. Last evaluated: 2022-06-06. Review status: criteria provided, single submitter. Criteria: ACMG Guidelines, 2015. Collection method: clinical testing. Allele origin: germline. Affected: yes.
Comment: ACMG classification criteria: PM2 moderated, BP4 supporting

GeneDx
Classification: Uncertain significance. Last evaluated: 2022-04-08. Review status: criteria provided, single submitter. Criteria: GeneDx Variant Classification Process June 2021. Collection method: clinical testing. Allele origin: germline. Affected: yes.
Comment: Has not been previously published as pathogenic or benign to our knowledge; Not observed at significant frequency in large population cohorts (gnomAD); In silico analysis supports that this missense variant does not alter protein structure/function